The following is an entry in ClinVar:

NM_000726.5(CACNB4):c.*624A>T

Gene: CACNB4 (calcium voltage-gated channel auxiliary subunit beta 4; minus strand). Cytogenetic location: 2q23.3.
Variant type: single nucleotide variant.
Coding change: c.*624A>T on transcript NM_000726.5 (MANE Select); 624 bases downstream of the stop codon, A replaced by T.
Molecular consequence: 3 prime UTR variant.
Genome position (GRCh38, 1-based): chr2:151,838,495, T>A on the plus strand (A>T on the coding strand, the complement: CACNB4 is on the minus strand). VCF-style: chr2-151838495-T-A. GRCh37 (hg19) VCF-style: chr2-152695009-T-A.
Other names: c.*624A>T (NM_001330113.2, NM_001330114.2, NM_001330115.2 and 7 more transcripts).
Identifiers: ClinVar variation 331620 (VCV000331620.37), dbSNP rs755272601, ClinGen allele CA10611040.

ClinVar aggregate classification (germline): Conflicting classifications of pathogenicity. Review status: criteria provided, conflicting classifications (1 of 4 stars). 2 submissions from 2 submitters: Uncertain significance (1); Benign (1). Last evaluated 2023-05-01.

Conditions:
Episodic ataxia type 5. Identifiers: Orphanet 211067, MedGen C1866039, MONDO:0013464, OMIM 613855.

Allele frequency attached by ClinVar (database versions not stated): TOPMed 0.00191; gnomAD 0.00313 and 0.00332.

Submissions (2):

CeGaT Center for Human Genetics Tuebingen
Classification: Benign. Last evaluated: 2023-05-01. Review status: criteria provided, single submitter. Criteria: CeGaT Center For Human Genetics Tuebingen Variant Classification Criteria Version 2. Collection method: clinical testing. Allele origin: germline. Affected: yes. Observed: 3 variant alleles.
Comment: CACNB4: BS1, BS2

Illumina Laboratory Services, Illumina
Classification: Uncertain significance for Episodic ataxia type 5. Last evaluated: 2018-01-13. Review status: criteria provided, single submitter. Criteria: ICSL Variant Classification Criteria 13 December 2019. Collection method: clinical testing. Allele origin: germline.